The following is an entry in ClinVar:

ClinVar aggregate classification (germline): Likely pathogenic (1 of 4 stars; one submission).

Conditions:
Lethal multiple pterygium syndrome (LMPS). Identifiers: Orphanet 33108, MedGen C1854678, MONDO:0009668, OMIM 253290.

Submission:

Knight Diagnostic Laboratories, Oregon Health and Sciences University
Classification: Likely pathogenic for Lethal multiple pterygium syndrome. Last evaluated: 2016-03-24. Review status: criteria provided, single submitter. Criteria: ACMG Guidelines, 2015. Collection method: clinical testing. Allele origin: germline. Affected: no. Study: CSER-NextGen.
Comment: The c.1374_1375delGA (p. Lys459Argfs*113) frameshift variant in the CHRND gene has not been previously reported. This variant is predicted to result in the loss of a stop codon or loss of the splice acceptor site in the last exon of this gene, which contains a ligand-gated ion channel domain. Multiple in silico algorithms predict this variant to have a deleterious effect (GERP=5.13, Human Splicing Finder v3.0 predicts creation of a new splice acceptor). This variant is absent from the population databases (Exome Sequencing Project; 1000 Genomes; and ExAC). One family with multiple affected individuals that are compound heterozygous for a nonsense variant (p.Arg464*), which is downstream of this variant and a missense variant (p.Phe74Leu) has been reported (Michalk et al., 2008). Therefore, this collective evidence supports the classification of c.1374_1375delGA (p. Lys459Argfs*113) as a Likely pathogenic variant for Lethal Multiple Pterygium Syndrome. We have confirmed this finding in our laboratory using Sanger sequencing.

NM_000751.3(CHRND):c.1374_1375del (p.Lys459fs)

Gene: CHRND (cholinergic receptor nicotinic delta subunit; plus strand). Cytogenetic location: 2q37.1.
Variant type: Microsatellite.
Coding change: c.1374_1375del on transcript NM_000751.3 (MANE Select); coding-DNA positions 1374 to 1375, 2 bases deleted (GA; older notation c.1374_1375delGA).
Protein change: p.Lys459fs; shifts the reading frame from lysine 459.
Molecular consequence: frameshift variant.
Genome position (GRCh38, 1-based): chr2:232,535,132-232,535,133, GA deleted; deleting any 2 consecutive bases within chr2:232,535,130-232,535,133 gives the same sequence; the c. name uses the placement nearest the transcript's 3' end. VCF-style (leftmost placement, unchanged base first): chr2-232535129-GGA-G. GRCh37 (hg19) VCF-style: chr2-233399839-GGA-G.
Other names: c.1329_1330del, p.Lys444fs (NM_001256657.2); c.792_793del, p.Lys265fs (NM_001311195.2); c.1071_1072del, p.Lys358fs (NM_001311196.2); short protein forms K265fs, K459fs, K444fs, K358fs.
Identifiers: ClinVar variation 402225 (VCV000402225.1), dbSNP rs1060499782, ClinGen allele CA16609551.